The following is an entry in ClinVar:

ClinVar aggregate classification (germline): Uncertain significance (1 of 4 stars; one submission).

Submission:

Labcorp Genetics (formerly Invitae), Labcorp
Classification: Uncertain significance. Last evaluated: 2023-08-14. Review status: criteria provided, single submitter. Criteria: Invitae Variant Classification Sherloc (09022015). Collection method: clinical testing. Allele origin: germline.
Comment: This variant is not present in population databases (gnomAD no frequency). This variant has not been reported in the literature in individuals affected with ATP1A1-related conditions. Advanced modeling of protein sequence and biophysical properties (such as structural, functional, and spatial information, amino acid conservation, physicochemical variation, residue mobility, and thermodynamic stability) performed at Invitae indicates that this missense variant is not expected to disrupt ATP1A1 protein function. In summary, the available evidence is currently insufficient to determine the role of this variant in disease. Therefore, it has been classified as a Variant of Uncertain Significance. This sequence change replaces valine, which is neutral and non-polar, with leucine, which is neutral and non-polar, at codon 576 of the ATP1A1 protein (p.Val576Leu).

NM_000701.8(ATP1A1):c.1726G>C (p.Val576Leu)

Genes: ATP1A1 (ATPase Na+/K+ transporting subunit alpha 1; plus strand), ATP1A1-AS1 (ATP1A1 antisense RNA 1; minus strand). Cytogenetic location: 1p13.1.
Variant type: single nucleotide variant.
Coding change: c.1726G>C on transcript NM_000701.8 (MANE Select); coding-DNA position 1726, G replaced by C.
Protein change: p.Val576Leu; replaces valine 576 with leucine.
Molecular consequence: missense variant.
Genome position (GRCh38, 1-based): chr1:116,395,175, G>C. VCF-style: chr1-116395175-G-C. GRCh37 (hg19) VCF-style: chr1-116937797-G-C.
Other names: c.1726G>C, p.Val576Leu (NM_001160233.2); c.1633G>C, p.Val545Leu (NM_001160234.2); short protein forms V545L, V576L.
Identifiers: ClinVar variation 2994924 (VCV002994924.3), dbSNP rs2525861236, ClinGen allele CA341771478.
Genomic context (GRCh38, chr1:116,395,175, plus strand): 5'-TGCCACCTCTTTCTGCCAGATGAACAGTTTCCTGAAGGGTTCCAGTTTGACACTGACGAT[G>C]TGAATTTCCCTATCGATAATCTGTGCTTTGTTGGGCTCATCTCCATGATTGACCCTCCAC-3'
Protein context (NP_000692.2, residues 566-586): PEGFQFDTDD[Val576Leu]NFPIDNLCFV